The following is an entry in ClinVar:

NM_000540.3(RYR1):c.4256A>G (p.Asn1419Ser)

Gene: RYR1 (ryanodine receptor 1; plus strand). Cytogenetic location: 19q13.2.
Variant type: single nucleotide variant.
Coding change: c.4256A>G on transcript NM_000540.3 (MANE Select); coding-DNA position 4256, A replaced by G.
Protein change: p.Asn1419Ser; replaces asparagine 1419 with serine.
Molecular consequence: missense variant.
Genome position (GRCh38, 1-based): chr19:38,475,413, A>G. VCF-style: chr19-38475413-A-G. GRCh37 (hg19) VCF-style: chr19-38966053-A-G.
Other names: c.4256A>G, p.Asn1419Ser (NM_001042723.2); short protein forms N1419S.
Identifiers: ClinVar variation 478230 (VCV000478230.9), dbSNP rs772135005, ClinGen allele CA405644574.
Genomic context (GRCh38, chr19:38,475,413, plus strand): 5'-CCCAGCCACCGGCCACCCCCACGCTGCCCCGACTCCCTCACGACGTGGTGCCTGCAGACA[A>G]CCGCGATGACCCCGAGATCATCCTCAACACCACCACGGTGTGGACCAGTAACCCTCAATT-3'
Protein context (NP_000531.2, residues 1409-1429): RLPHDVVPAD[Asn1419Ser]RDDPEIILNT

ClinVar aggregate classification (germline): Uncertain significance. Review status: criteria provided, multiple submitters, no conflicts (2 of 4 stars). 2 submissions from 2 submitters: Uncertain significance (2). Last evaluated 2019-05-29.

Conditions:
RYR1-related disorder. Also called: RYR1-related disorders; RYR1-related condition. Identifiers: MedGen CN239331.

Submissions (2):

Blueprint Genetics
Classification: Uncertain significance. Last evaluated: 2019-05-29. Review status: criteria provided, single submitter. Criteria: ACMG Guidelines, 2015. Collection method: clinical testing. Allele origin: germline.

Labcorp Genetics (formerly Invitae), Labcorp
Classification: Uncertain significance for RYR1-related disorder. Last evaluated: 2016-10-06. Review status: criteria provided, single submitter. Criteria: Invitae Variant Classification Sherloc (09022015). Collection method: clinical testing. Allele origin: germline.
Comment: In summary, this variant is a novel missense change with uncertain impact on protein function. It has been classified as a Variant of Uncertain Significance. Algorithms developed to predict the effect of missense changes on protein structure and function do not agree on the potential impact of this missense change (SIFT: "Deleterious"; PolyPhen-2: "Benign"; Align-GVGD: "Class C0"). This variant is not present in population databases (ExAC no frequency) and has not been reported in the literature in individuals with a RYR1-related disease. This sequence change replaces asparagine with serine at codon 1419 of the RYR1 protein (p.Asn1419Ser). The asparagine residue is moderately conserved and there is a small physicochemical difference between asparagine and serine.